The following is an entry in ClinVar:

NM_004629.2(FANCG):c.1248_1249del (p.Leu416_Cys417insTer)

Gene: FANCG (FA complementation group G; minus strand). Cytogenetic location: 9p13.3.
Variant type: Deletion.
Coding change: c.1248_1249del on transcript NM_004629.2 (MANE Select); coding-DNA positions 1248 to 1249, 2 bases deleted (AT; older notation c.1248_1249delAT).
Protein change: p.Leu416_Cys417insTer.
Molecular consequence: frameshift variant.
Genome position (GRCh38, 1-based): chr9:35,075,649-35,075,650, AT deleted on the plus strand (AT on the coding strand, the reverse complement: FANCG is on the minus strand); deleting any 2 consecutive bases within chr9:35,075,649-35,075,651 gives the same sequence; the c. name uses the placement nearest the transcript's 3' end. VCF-style (leftmost placement, unchanged base first): chr9-35075648-CAT-C. GRCh37 (hg19) VCF-style: chr9-35075645-CAT-C.
Identifiers: ClinVar variation 2885294 (VCV002885294.3), dbSNP rs1829068323, ClinGen allele CA1845837758.
Genomic context (GRCh38, chr9:35,075,648, plus strand): 5'-TCTTCCCACAGCCGGGACATCTTGGGTAGCAGAGATGATGTGCGGCTGAGCAACTCCTCA[CAT>C]AGAGTCAAGGCATCTTGGGCTCTGCCTGCCTGGATCAGTGCTACCGCTGCCTCCAAAAAC-3'

ClinVar aggregate classification (germline): Pathogenic (1 of 4 stars; one submission).

Conditions:
Fanconi anemia (FA). Also called: Fanconi's anemia. Identifiers: Orphanet 84, MedGen C0015625, MeSH D005199, MONDO:0019391.

Submission:

Labcorp Genetics (formerly Invitae), Labcorp
Classification: Pathogenic for Fanconi anemia. Last evaluated: 2023-07-08. Review status: criteria provided, single submitter. Criteria: Invitae Variant Classification Sherloc (09022015). Collection method: clinical testing. Allele origin: germline.
Comment: For these reasons, this variant has been classified as Pathogenic. This sequence change creates a premature translational stop signal (p.Cys417*) in the FANCG gene. It is expected to result in an absent or disrupted protein product. Loss-of-function variants in FANCG are known to be pathogenic (PMID: 12552564). This variant is not present in population databases (gnomAD no frequency). This variant has not been reported in the literature in individuals affected with FANCG-related conditions.

Literature cited by the submitters: PubMed 12552564.